The following is an entry in ClinVar:

ClinVar aggregate classification (germline): Benign. Review status: criteria provided, multiple submitters, no conflicts (2 of 4 stars). 6 submissions from 5 submitters: Benign (6). Last evaluated 2025-12-04.

Conditions:
Heterotaxy, visceral, 5, autosomal (HTX5). Also called: Heterotaxy, visceral, 5. Identifiers: Orphanet 450, MedGen C3495537, MONDO:0700112, OMIM 270100.
Holoprosencephaly sequence (HPE). Also called: Holoprosencephaly. Identifiers: Orphanet 2162, MedGen C0079541, MONDO:0016296, HP:0001360.

Allele frequency attached by ClinVar (database versions not stated): gnomAD exomes 0.00203; ExAC 0.00260; gnomAD 0.00714; 1000 Genomes Project 0.00759; TOPMed 0.00783; 1000 Genomes Project 30x 0.00890; ESP Exome Variant Server 0.00930.
gnomAD v4.1: 2,233 of 1,614,068 alleles (0.14%); highest among the groups gnomAD compares: African/African-American, 2.5%; 31 homozygotes.

Submissions (6):

Labcorp Genetics (formerly Invitae), Labcorp
Classification: Benign for Heterotaxy, visceral, 5, autosomal. Last evaluated: 2025-12-04. Review status: criteria provided, single submitter. Criteria: Invitae Variant Classification Sherloc (09022015). Collection method: clinical testing. Allele origin: germline.

GeneDx
Classification: Benign. Last evaluated: 2019-05-28. Review status: criteria provided, single submitter. Criteria: GeneDx Variant Classification Process June 2021. Collection method: clinical testing. Allele origin: germline. Affected: yes.

ARUP Laboratories, Molecular Genetics and Genomics, ARUP Laboratories
Classification: Benign. Last evaluated: 2018-01-24. Review status: criteria provided, single submitter. Criteria: ARUP Molecular Germline Variant Investigation Process. Collection method: clinical testing. Allele origin: germline.

Illumina Laboratory Services, Illumina
Classification: Benign for Heterotaxy, visceral, 5, autosomal. Last evaluated: 2018-01-13. Review status: criteria provided, single submitter. Criteria: ICSL Variant Classification Criteria 13 December 2019. Collection method: clinical testing. Allele origin: germline.
Comment: This variant was observed in the ICSL laboratory as part of a predisposition screen in an ostensibly healthy population. It had not been previously curated by ICSL or reported in the Human Gene Mutation Database (HGMD: prior to June 1st, 2018), and was therefore a candidate for classification through an automated scoring system. Utilizing variant allele frequency, disease prevalence and penetrance estimates, and inheritance mode, an automated score was calculated to assess if this variant is too frequent to cause the disease. Based on the score and internal cut-off values, a variant classified as benign is not then subjected to further curation. The score for this variant resulted in a classification of benign for this disease.

Illumina Laboratory Services, Illumina
Classification: Benign for Holoprosencephaly sequence. Last evaluated: 2018-01-13. Review status: criteria provided, single submitter. Criteria: ICSL Variant Classification Criteria 13 December 2019. Collection method: clinical testing. Allele origin: germline.
Comment: the same text as in the submission from Illumina Laboratory Services, Illumina above.

PreventionGenetics, part of Exact Sciences
Classification: Benign. Review status: criteria provided, single submitter. Criteria: ACMG Guidelines, 2015. Collection method: clinical testing. Allele origin: germline.

NM_018055.5(NODAL):c.588C>G (p.Leu196=)

Gene: NODAL (nodal growth differentiation factor; minus strand). Cytogenetic location: 10q22.1.
Variant type: single nucleotide variant.
Coding change: c.588C>G on transcript NM_018055.5 (MANE Select); coding-DNA position 588, C replaced by G.
Protein change: p.Leu196=; no amino-acid change (leucine 196 retained).
Molecular consequence: synonymous variant.
Genome position (GRCh38, 1-based): chr10:70,435,589, G>C on the plus strand (C>G on the coding strand, the complement: NODAL is on the minus strand). VCF-style: chr10-70435589-G-C. GRCh37 (hg19) VCF-style: chr10-72195345-G-C.
Other names: c.189C>G, p.Leu63= (NM_001329906.2).
Identifiers: ClinVar variation 260991 (VCV000260991.25), dbSNP rs2231959, ClinGen allele CA5537568.